The following is an entry in ClinVar:

NC_000007.14:g.156796142C>A

Genes: LMBR1 (limb development membrane protein 1; minus strand), SHH (sonic hedgehog signaling molecule; minus strand). Cytogenetic location: 7q36.3.
Variant type: single nucleotide variant.
Molecular consequence: intron variant (on NM_022458.4).
Genome position: GRCh38 VCF-style: chr7-156796142-C-A. GRCh37 (hg19) VCF-style: chr7-156588836-C-A.
Other names: c.360+247G>T (NM_001363412.2); c.144+247G>T (NM_001350954.2); c.423+247G>T (NM_001363410.2, NM_022458.4, NM_001363409.2 and 1 more transcripts); c.-112+247G>T (NM_001350958.2, NM_001350956.2, NM_001350955.2 and 1 more transcripts); c.54+247G>T (NM_001350957.2, NM_001363411.2).
Identifiers: ClinVar variation 2786326 (VCV002786326.3), dbSNP rs879780030, ClinGen allele CA169823974.

ClinVar aggregate classification (germline): Uncertain significance (1 of 4 stars; one submission).

Conditions:
Holoprosencephaly 3 (HPE3). Identifiers: Orphanet 2162, MedGen C1840529, MONDO:0007733, OMIM 142945.

Submission:

Labcorp Genetics (formerly Invitae), Labcorp
Classification: Uncertain significance for Holoprosencephaly 3. Last evaluated: 2023-12-02. Review status: criteria provided, single submitter. Criteria: Invitae Variant Classification Sherloc (09022015). Collection method: clinical testing. Allele origin: germline.
Comment: This variant occurs in a non-coding region of the SHH gene. It does not change the encoded amino acid sequence of the SHH protein. This variant is not present in population databases (gnomAD no frequency). This variant has not been reported in the literature in individuals affected with SHH-related conditions. Experimental studies and prediction algorithms are not available or were not evaluated, and the functional significance of this variant is currently unknown. In summary, the available evidence is currently insufficient to determine the role of this variant in disease. Therefore, it has been classified as a Variant of Uncertain Significance.